The following is an entry in ClinVar:

ClinVar aggregate classification (germline): Uncertain significance. Review status: criteria provided, multiple submitters, no conflicts (2 of 4 stars). 2 submissions from 2 submitters: Uncertain significance (2). Last evaluated 2025-06-13.

Conditions:
Inborn genetic diseases. Identifiers: MedGen C0950123, MeSH D030342.

Allele frequency attached by ClinVar (database versions not stated): TOPMed below 0.00001; gnomAD exomes below 0.00001.

Submissions (2):

GeneDx
Classification: Uncertain significance. Last evaluated: 2025-06-13. Review status: criteria provided, single submitter. Criteria: GeneDx Variant Classification Process June 2021. Collection method: clinical testing. Allele origin: germline. Affected: yes.
Comment: Not observed at significant frequency in large population cohorts (gnomAD); In silico analysis supports that this missense variant has a deleterious effect on protein structure/function; Has not been previously published as pathogenic or benign to our knowledge

Ambry Genetics
Classification: Uncertain significance for Inborn genetic diseases. Last evaluated: 2025-01-16. Review status: criteria provided, single submitter. Criteria: Ambry Variant Classification Scheme 2023. Collection method: clinical testing. Allele origin: germline.

NM_198578.4(LRRK2):c.3113C>T (p.Thr1038Ile)

Gene: LRRK2 (leucine rich repeat kinase 2; plus strand). Cytogenetic location: 12q12.
Variant type: single nucleotide variant.
Coding change: c.3113C>T on transcript NM_198578.4 (MANE Select); coding-DNA position 3113, C replaced by T.
Protein change: p.Thr1038Ile; replaces threonine 1038 with isoleucine.
Molecular consequence: missense variant.
Genome position (GRCh38, 1-based): chr12:40,298,259, C>T. VCF-style: chr12-40298259-C-T. GRCh37 (hg19) VCF-style: chr12-40692061-C-T.
Other names: short protein forms T1038I.
Identifiers: ClinVar variation 1727778 (VCV001727778.5), dbSNP rs1944458590, ClinGen allele CA384414042.